The following is an entry in ClinVar:

ClinVar aggregate classification (germline): Uncertain significance (1 of 4 stars; one submission).

gnomAD v4.1: 1 of 1,614,216 alleles (0.000062%); highest among the groups gnomAD compares: Non-Finnish European, 0.000085%; no homozygotes.

Submission:

GeneDx
Classification: Uncertain significance. Last evaluated: 2026-02-13. Review status: criteria provided, single submitter. Criteria: GeneDx Variant Classification Process June 2021. Collection method: clinical testing. Allele origin: germline.
Comment: Not observed at significant frequency in large population cohorts (gnomAD); In silico analysis supports that this missense variant has a deleterious effect on protein structure/function; Has not been previously published as pathogenic or benign to our knowledge

NM_181552.4(CUX1):c.1607C>A (p.Pro536His)

Gene: CUX1 (cut like homeobox 1; plus strand). Cytogenetic location: 7q22.1.
Variant type: single nucleotide variant.
Coding change: c.1607C>A on transcript NM_181552.4 (MANE Select); coding-DNA position 1607, C replaced by A.
Protein change: p.Pro536His; replaces proline 536 with histidine.
Molecular consequence: missense variant. On other transcripts: intron variant (5).
Genome position (GRCh38, 1-based): chr7:102,197,018, C>A. VCF-style: chr7-102197018-C-A. GRCh37 (hg19) VCF-style: chr7-101840298-C-A.
Other names: c.1249+1415C>A (NM_181500.4); c.1117+1415C>A (NM_001202545.3); c.1207+1415C>A (NM_001202544.3); c.1138+1415C>A (NM_001202546.3); c.1640C>A, p.Pro547His (NM_001202543.2); c.1255+1415C>A (NM_001913.5); short protein forms P536H, P547H.
Identifiers: ClinVar variation 4888065 (VCV004888065.1).
Genomic context (GRCh38, chr7:102,197,018, plus strand): 5'-CCATATCTTCCCAAAGTCCATTACAACAAAGCCCAGATGTCAATGGCATGGCCCCATCCC[C>A]CAGCCAGTCAGAAAGTGCTGGGAGCGTCTCCGAGGGCGAGGAGATGGACACTGCAGAAAT-3'
Protein context (NP_853530.2, residues 526-546): SPDVNGMAPS[Pro536His]SQSESAGSVS